The following is an entry in ClinVar:

NM_000081.4(LYST):c.78G>T (p.Arg26Ser)

Gene: LYST (lysosomal trafficking regulator; minus strand). Cytogenetic location: 1q42.3.
Variant type: single nucleotide variant.
Coding change: c.78G>T on transcript NM_000081.4 (MANE Select); coding-DNA position 78, G replaced by T.
Protein change: p.Arg26Ser; replaces arginine 26 with serine.
Molecular consequence: missense variant. On other transcripts: non-coding transcript variant (1).
Genome position (GRCh38, 1-based): chr1:235,830,340, C>A on the plus strand (G>T on the coding strand, the complement: LYST is on the minus strand). VCF-style: chr1-235830340-C-A. GRCh37 (hg19) VCF-style: chr1-235993640-C-A.
Other names: c.78G>T, p.Arg26Ser (NM_001301365.1); short protein forms R26S.
Identifiers: ClinVar variation 4885205 (VCV004885205.2).

ClinVar aggregate classification (germline): Uncertain significance (1 of 4 stars; one submission).

Submission:

Dasa
Classification: Uncertain significance. Last evaluated: 2026-01-21. Review status: criteria provided, single submitter. Criteria: DASA Assertion Criteria. Collection method: clinical testing. Allele origin: germline.
Comment: NM_000081.4(LYST):c.78G>T (p.Arg26Ser) is a missense variant that results in the substitution of arginine with serine. This variant is rare in population databases. The currently available literature and clinical evidence are not sufficient to establish a definitive association between this variant and the reported condition. Therefore, this variant is classified as a variant of uncertain significance.